The following is an entry in ClinVar:

NM_177438.3(DICER1):c.5537C>T (p.Ser1846Phe)

Gene: DICER1 (dicer 1, ribonuclease III; minus strand). Cytogenetic location: 14q32.13.
Variant type: single nucleotide variant.
Coding change: c.5537C>T on transcript NM_177438.3 (MANE Select); coding-DNA position 5537, C replaced by T.
Protein change: p.Ser1846Phe; replaces serine 1846 with phenylalanine.
Molecular consequence: missense variant. On other transcripts: synonymous variant (1), non-coding transcript variant (6).
Genome position (GRCh38, 1-based): chr14:95,091,100, G>A on the plus strand (C>T on the coding strand, the complement: DICER1 is on the minus strand). VCF-style: chr14-95091100-G-A. GRCh37 (hg19) VCF-style: chr14-95557437-G-A.
Other names: c.5374C>T, p.Leu1792= (NM_001195573.1); c.5537C>T, p.Ser1846Phe (NM_001271282.3, NM_001291628.2, NM_001395677.1 and 7 more transcripts); c.5255C>T, p.Ser1752Phe (NM_001395686.1); c.5132C>T, p.Ser1711Phe (NM_001395687.1, NM_001395688.1, NM_001395689.1 and 1 more transcripts); c.4970C>T, p.Ser1657Phe (NM_001395691.1); c.3854C>T, p.Ser1285Phe (NM_001395697.1); short protein forms S1285F, S1846F, S1752F, S1657F, S1711F.
Identifiers: ClinVar variation 3840049 (VCV003840049.1).

ClinVar aggregate classification (germline): Uncertain significance (1 of 4 stars; one submission).

Conditions:
Hereditary cancer-predisposing syndrome. Also called: Hereditary neoplastic syndrome; Neoplastic Syndromes, Hereditary; Tumor predisposition; Hereditary Cancer Syndrome. Identifiers: Orphanet 140162, MedGen C0027672, MeSH D009386, MONDO:0015356.

Submission:

Ambry Genetics
Classification: Uncertain significance for Hereditary cancer-predisposing syndrome. Last evaluated: 2025-03-01. Review status: criteria provided, single submitter. Criteria: Ambry Variant Classification Scheme 2023. Collection method: clinical testing. Allele origin: germline.
Comment: The p.S1846F variant (also known as c.5537C>T), located in coding exon 25 of the DICER1 gene, results from a C to T substitution at nucleotide position 5537. The serine at codon 1846 is replaced by phenylalanine, an amino acid with highly dissimilar properties. This amino acid position is conserved. In addition, this alteration is predicted to be deleterious by in silico analysis. Based on the available evidence, the clinical significance of this variant remains unclear.